The following is an entry in ClinVar:

ClinVar aggregate classification (germline): Uncertain significance. Review status: criteria provided, multiple submitters, no conflicts (2 of 4 stars). 3 submissions from 3 submitters: Uncertain significance (3). Last evaluated 2025-11-05.

Conditions:
Tuberous sclerosis 2 (TSC2). Identifiers: Orphanet 805, MedGen C1860707, MONDO:0013199, OMIM 613254.
Tuberous sclerosis syndrome (TSC). Also called: Tuberous Sclerosis Complex; Tuberous sclerosis. Identifiers: Orphanet 805, MedGen C0041341, MONDO:0001734.
Hereditary cancer-predisposing syndrome. Also called: Neoplastic Syndromes, Hereditary; Tumor predisposition; Hereditary Cancer Syndrome; Hereditary neoplastic syndrome. Identifiers: Orphanet 140162, MedGen C0027672, MeSH D009386, MONDO:0015356.

Allele frequency attached by ClinVar (database versions not stated): gnomAD exomes below 0.00001.
gnomAD v4.1: 1 of 1,612,852 alleles (0.000062%); highest among the groups gnomAD compares: East Asian, 0.0022%; no homozygotes.

Submissions (3):

Labcorp Genetics (formerly Invitae), Labcorp
Classification: Uncertain significance for Tuberous sclerosis 2. Last evaluated: 2025-11-05. Review status: criteria provided, single submitter. Criteria: Invitae Variant Classification Sherloc (09022015). Collection method: clinical testing. Allele origin: germline.
Comment: This sequence change replaces asparagine, which is neutral and polar, with histidine, which is basic and polar, at codon 1762 of the TSC2 protein (p.Asn1762His). This variant is not present in population databases (gnomAD no frequency). This variant has not been reported in the literature in individuals affected with TSC2-related conditions. ClinVar contains an entry for this variant (Variation ID: 1746585). Invitae Evidence Modeling of protein sequence and biophysical properties (such as structural, functional, and spatial information, amino acid conservation, physicochemical variation, residue mobility, and thermodynamic stability) indicates that this missense variant is not expected to disrupt TSC2 protein function with a negative predictive value of 95%. In summary, the available evidence is currently insufficient to determine the role of this variant in disease. Therefore, it has been classified as a Variant of Uncertain Significance.

All of Us Research Program, National Institutes of Health
Classification: Uncertain significance for Tuberous sclerosis syndrome. Last evaluated: 2023-05-04. Review status: criteria provided, single submitter. Criteria: ACMG Guidelines, 2015. Collection method: clinical testing. Allele origin: germline. Inheritance: Autosomal dominant inheritance. Observed: 1 variant allele, 1 heterozygote.
Comment: This missense variant replaces asparagine with histidine at codon 1762 of the TSC2 protein. Computational prediction suggests that this variant may not impact protein structure and function (internally defined REVEL score threshold <= 0.5, PMID: 27666373). To our knowledge, functional studies have not been reported for this variant. This variant has not been reported in individuals affected with TSC2-related disorders in the literature. This variant has not been identified in the general population by the Genome Aggregation Database (gnomAD). The available evidence is insufficient to determine the role of this variant in disease conclusively. Therefore, this variant is classified as a Variant of Uncertain Significance.

This study involves interpretation of variants in research participants for the purpose of population health screening. Participant phenotype was not available at the time of variant classification. Additional details can be found in publication PMID: 35346344, PMCID: PMC8962531

Ambry Genetics
Classification: Uncertain significance for Hereditary cancer-predisposing syndrome. Last evaluated: 2018-06-21. Review status: criteria provided, single submitter. Criteria: Ambry Variant Classification Scheme 2023. Collection method: clinical testing. Allele origin: germline.
Comment: The p.N1762H variant (also known as c.5284A>C), located in coding exon 41 of the TSC2 gene, results from an A to C substitution at nucleotide position 5284. The asparagine at codon 1762 is replaced by histidine, an amino acid with similar properties. This amino acid position is poorly conserved in available vertebrate species. In addition, the in silico prediction for this alteration is inconclusive. Since supporting evidence is limited at this time, the clinical significance of this alteration remains unclear.

NM_000548.5(TSC2):c.5284A>C (p.Asn1762His)

Gene: TSC2 (TSC complex subunit 2; plus strand). Cytogenetic location: 16p13.3.
Variant type: single nucleotide variant.
Coding change: c.5284A>C on transcript NM_000548.5 (MANE Select); coding-DNA position 5284, A replaced by C.
Protein change: p.Asn1762His; replaces asparagine 1762 with histidine.
Molecular consequence: missense variant.
Genome position (GRCh38, 1-based): chr16:2,088,470, A>C. VCF-style: chr16-2088470-A-C. GRCh37 (hg19) VCF-style: chr16-2138471-A-C.
Other names: c.4612A>C, p.Asn1538His (NM_001406684.1); c.4486A>C, p.Asn1496His (NM_001406685.1, NM_001406686.1); c.4483A>C, p.Asn1495His (NM_001406687.1, NM_001406688.1); c.3871A>C, p.Asn1291His (NM_001406689.1); c.3811A>C, p.Asn1271His (NM_001406690.1); c.4615A>C, p.Asn1539His (NM_001406683.1, NM_001406682.1); c.5083A>C, p.Asn1695His (NM_001077183.3); c.5215A>C, p.Asn1739His (NM_001114382.3); and 27 more; short protein forms N1248H, N1291H, N1496H, N1518H, N1562H, N1646H, N1689H, N1725H.
Identifiers: ClinVar variation 1746585 (VCV001746585.8), dbSNP rs1567133600, ClinGen allele CA394315227.